The following is an entry in ClinVar:

ClinVar aggregate classification (germline): Pathogenic (1 of 4 stars; one submission).

Conditions:
Autosomal recessive limb-girdle muscular dystrophy type 2A (LGMDR1). Also called: Limb-girdle muscular dystrophy, type 2A; LEYDEN-MOEBIUS MUSCULAR DYSTROPHY; MUSCULAR DYSTROPHY, PELVOFEMORAL; Calpainopathy; Muscular dystrophy, limb-girdle, type 2A, Amish. Identifiers: Orphanet 267, MedGen C1869123, MONDO:0009675, OMIM 253600. Disease mechanism: loss of function.

Submission:

Labcorp Genetics (formerly Invitae), Labcorp
Classification: Pathogenic for Autosomal recessive limb-girdle muscular dystrophy type 2A. Last evaluated: 2021-09-25. Review status: criteria provided, single submitter. Criteria: Invitae Variant Classification Sherloc (09022015). Collection method: clinical testing. Allele origin: germline.
Comment: For these reasons, this variant has been classified as Pathogenic. This variant has not been reported in the literature in individuals affected with CAPN3-related conditions. This variant is a gross deletion of the genomic region encompassing exon(s) 20-21 of the CAPN3 gene. This deletion is out-of-frame, and is expected to create a premature termination codon and result in an absent or disrupted protein product. Loss-of-function variants in CAPN3 are known to be pathogenic (PMID: 10330340, 15689361).

Literature cited by the submitters: PubMed 10330340; PubMed 15689361.

NC_000015.9:g.(?_42702616)_(42702874_?)del

Gene: CAPN3 (calpain 3; plus strand). Cytogenetic location: 15q15.1.
Variant type: Deletion.
Identifiers: ClinVar variation 1459198 (VCV001459198.6).